The following is an entry in ClinVar:

ClinVar aggregate classification (germline): Uncertain significance (1 of 4 stars; one submission).

Submission:

CeGaT Center for Human Genetics Tuebingen
Classification: Uncertain significance. Last evaluated: 2025-07-01. Review status: criteria provided, single submitter. Criteria: CeGaT Center For Human Genetics Tuebingen Variant Classification Criteria Version 2. Collection method: clinical testing. Allele origin: germline. Affected: yes. Observed: 1 variant allele.
Comment: CIC: PM2

NM_001386298.1(CIC):c.1142A>G (p.Asp381Gly)

Gene: CIC (capicua transcriptional repressor; plus strand). Cytogenetic location: 19q13.2.
Variant type: single nucleotide variant.
Coding change: c.1142A>G on transcript NM_001386298.1 (MANE Select); coding-DNA position 1142, A replaced by G.
Protein change: p.Asp381Gly; replaces aspartic acid 381 with glycine.
Molecular consequence: missense variant.
Genome position (GRCh38, 1-based): chr19:42,272,925, A>G. VCF-style: chr19-42272925-A-G. GRCh37 (hg19) VCF-style: chr19-42777077-A-G.
Other names: c.1142A>G, p.Asp381Gly (NM_001304815.2, NM_001379480.1, NM_001379482.1 and 6 more transcripts); short protein forms D381G.
Identifiers: ClinVar variation 4085446 (VCV004085446.8).